The following is an entry in ClinVar:

ClinVar aggregate classification (germline): Uncertain significance (1 of 4 stars; one submission).

Allele frequency attached by ClinVar (database versions not stated): gnomAD exomes below 0.00001; gnomAD 0.00001.
gnomAD v4.1: 2 of 1,613,998 alleles (0.00012%); highest among the groups gnomAD compares: African/African-American, 0.0013%; no homozygotes.

Submission:

Labcorp Genetics (formerly Invitae), Labcorp
Classification: Uncertain significance. Last evaluated: 2024-12-02. Review status: criteria provided, single submitter. Criteria: Invitae Variant Classification Sherloc (09022015). Collection method: clinical testing. Allele origin: germline.
Comment: This sequence change replaces valine, which is neutral and non-polar, with alanine, which is neutral and non-polar, at codon 867 of the MTOR protein (p.Val867Ala). This variant is not present in population databases (gnomAD no frequency). This variant has not been reported in the literature in individuals affected with MTOR-related conditions. ClinVar contains an entry for this variant (Variation ID: 1904016). Invitae Evidence Modeling of protein sequence and biophysical properties (such as structural, functional, and spatial information, amino acid conservation, physicochemical variation, residue mobility, and thermodynamic stability) indicates that this missense variant is not expected to disrupt MTOR protein function with a negative predictive value of 95%. In summary, the available evidence is currently insufficient to determine the role of this variant in disease. Therefore, it has been classified as a Variant of Uncertain Significance.

NM_004958.4(MTOR):c.2600T>C (p.Val867Ala)

Gene: MTOR (mechanistic target of rapamycin kinase; minus strand). Cytogenetic location: 1p36.22.
Variant type: single nucleotide variant.
Coding change: c.2600T>C on transcript NM_004958.4 (MANE Select); coding-DNA position 2600, T replaced by C.
Protein change: p.Val867Ala; replaces valine 867 with alanine.
Molecular consequence: missense variant.
Genome position (GRCh38, 1-based): chr1:11,231,349, A>G on the plus strand (T>C on the coding strand, the complement: MTOR is on the minus strand). VCF-style: chr1-11231349-A-G. GRCh37 (hg19) VCF-style: chr1-11291406-A-G.
Other names: c.2600T>C, p.Val867Ala (NM_001386500.1); c.1352T>C, p.Val451Ala (NM_001386501.1); short protein forms V451A, V867A.
Identifiers: ClinVar variation 1904016 (VCV001904016.5), dbSNP rs2523262071, ClinGen allele CA338382496.